The following is an entry in ClinVar:

ClinVar aggregate classification (germline): Uncertain significance (1 of 4 stars; one submission).

Conditions:
Wiedemann-Steiner syndrome (WDSTS). Also called: Growth deficiency and mental retardation with facial dysmorphism. Identifiers: Orphanet 319182, MedGen C1854630, MONDO:0011518, OMIM 605130.

Submission:

Dasa
Classification: Uncertain significance for Wiedemann-Steiner syndrome. Last evaluated: 2025-03-08. Review status: criteria provided, single submitter. Criteria: DASA Assertion Criteria. Collection method: clinical testing. Allele origin: germline.
Comment: NM_001197104.2(KMT2A):c.2786_2788del (p.Lys929_Ala930delinsThr) is an in-frame insertion/deletion-insertion predicted to alter the protein sequence without shifting the reading frame. This variant is absent from population databases. The currently available literature and clinical evidence are not sufficient to establish a definitive association between this variant and the reported condition. Therefore, this variant is classified as a variant of uncertain significance.

NM_001197104.2(KMT2A):c.2786_2788del (p.Lys929_Ala930delinsThr)

Gene: KMT2A (lysine methyltransferase 2A; plus strand). Cytogenetic location: 11q23.3.
Variant type: Deletion.
Coding change: c.2786_2788del on transcript NM_001197104.2 (MANE Select); coding-DNA positions 2786 to 2788, 3 bases deleted (AAG; older notation c.2786_2788delAAG).
Protein change: p.Lys929_Ala930delinsThr.
Molecular consequence: inframe indel.
Genome position (GRCh38, 1-based): chr11:118,473,945-118,473,947, AAG deleted. VCF-style (leftmost placement, unchanged base first): chr11-118473944-AAAG-A. GRCh37 (hg19) VCF-style: chr11-118344659-AAAG-A.
Other names: c.2885_2887del, p.Lys962_Ala963delinsThr (NM_001412597.1); c.2786_2788del, p.Lys929_Ala930delinsThr (NM_005933.4).
Identifiers: ClinVar variation 4884037 (VCV004884037.2).